The following is an entry in ClinVar:

NM_001040142.2(SCN2A):c.*417C>T

Gene: SCN2A (sodium voltage-gated channel alpha subunit 2; plus strand). Cytogenetic location: 2q24.3.
Variant type: single nucleotide variant.
Coding change: c.*417C>T on transcript NM_001040142.2 (MANE Select); 417 bases downstream of the stop codon, C replaced by T.
Molecular consequence: 3 prime UTR variant.
Genome position (GRCh38, 1-based): chr2:165,390,241, C>T. VCF-style: chr2-165390241-C-T. GRCh37 (hg19) VCF-style: chr2-166246751-C-T.
Other names: c.*417C>T (NM_001040143.2, NM_001371246.1, NM_001371247.1 and 1 more transcripts).
Identifiers: ClinVar variation 331746 (VCV000331746.6), dbSNP rs141754622, ClinGen allele CA10611486.

ClinVar aggregate classification (germline): Benign. Review status: criteria provided, multiple submitters, no conflicts (2 of 4 stars). 2 submissions from 2 submitters: Benign (2). Last evaluated 2018-01-13.

Conditions:
Seizures, benign familial infantile, 3 (BFIS3). Also called: CONVULSIONS, BENIGN FAMILIAL INFANTILE, 3; Familial neonatal seizures. Identifiers: Orphanet 140927, Orphanet 306, MedGen C1843140, MONDO:0011904, OMIM 607745.

Allele frequency attached by ClinVar (database versions not stated): gnomAD exomes 0.00025; 1000 Genomes Project 30x 0.00468; 1000 Genomes Project 0.00479; gnomAD 0.00482 and 0.00527; TOPMed 0.00572.
gnomAD v4.1: 735 of 194,618 alleles (0.38%); highest among the groups gnomAD compares: African/African-American, 1.6%; 5 homozygotes.

Submissions (2):

Illumina Laboratory Services, Illumina
Classification: Benign for Seizures, benign familial infantile, 3. Last evaluated: 2018-01-13. Review status: criteria provided, single submitter. Criteria: ICSL Variant Classification Criteria 13 December 2019. Collection method: clinical testing. Allele origin: germline.
Comment: This variant was observed in the ICSL laboratory as part of a predisposition screen in an ostensibly healthy population. It had not been previously curated by ICSL or reported in the Human Gene Mutation Database (HGMD: prior to June 1st, 2018), and was therefore a candidate for classification through an automated scoring system. Utilizing variant allele frequency, disease prevalence and penetrance estimates, and inheritance mode, an automated score was calculated to assess if this variant is too frequent to cause the disease. Based on the score and internal cut-off values, a variant classified as benign is not then subjected to further curation. The score for this variant resulted in a classification of benign for this disease.

Breakthrough Genomics
Classification: Benign. Review status: criteria provided, single submitter. Criteria: ACMG Guidelines, 2015. Collection method: not provided. Allele origin: germline. Inheritance: Autosomal dominant inheritance. Affected: yes.